The following is an entry in ClinVar:

NM_006206.6(PDGFRA):c.976G>T (p.Ala326Ser)

Gene: PDGFRA (platelet derived growth factor receptor alpha; plus strand). Cytogenetic location: 4q12.
Variant type: single nucleotide variant.
Coding change: c.976G>T on transcript NM_006206.6 (MANE Select); coding-DNA position 976, G replaced by T.
Protein change: p.Ala326Ser; replaces alanine 326 with serine.
Molecular consequence: missense variant.
Genome position (GRCh38, 1-based): chr4:54,267,596, G>T. VCF-style: chr4-54267596-G-T. GRCh37 (hg19) VCF-style: chr4-55133763-G-T.
Other names: c.976G>T, p.Ala326Ser (NM_001347827.2, NM_001347829.2); c.1051G>T, p.Ala351Ser (NM_001347828.2); c.1015G>T, p.Ala339Ser (NM_001347830.2); short protein forms A339S, A351S, A326S.
Identifiers: ClinVar variation 2568086 (VCV002568086.3), dbSNP rs1723110630, ClinGen allele CA356891533.

ClinVar aggregate classification (germline): Uncertain significance. Review status: criteria provided, multiple submitters, no conflicts (2 of 4 stars). 2 submissions from 2 submitters: Uncertain significance (2). Last evaluated 2025-08-31.

Conditions:
Gastrointestinal stromal tumor. Also called: Gastrointestinal stromal tumor, somatic; Gastrointestinal stroma tumor. Identifiers: Orphanet 44890, MedGen C0238198, MeSH D046152, MONDO:0011719, OMIM 606764, HP:0100723.
Hereditary cancer-predisposing syndrome. Also called: Hereditary Cancer Syndrome; Hereditary neoplastic syndrome; Neoplastic Syndromes, Hereditary; Tumor predisposition. Identifiers: Orphanet 140162, MedGen C0027672, MeSH D009386, MONDO:0015356.

Submissions (2):

Labcorp Genetics (formerly Invitae), Labcorp
Classification: Uncertain significance for Gastrointestinal stromal tumor. Last evaluated: 2025-08-31. Review status: criteria provided, single submitter. Criteria: Invitae Variant Classification Sherloc (09022015). Collection method: clinical testing. Allele origin: germline.
Comment: This sequence change replaces alanine, which is neutral and non-polar, with serine, which is neutral and polar, at codon 326 of the PDGFRA protein (p.Ala326Ser). This variant is not present in population databases (gnomAD no frequency). This variant has not been reported in the literature in individuals affected with PDGFRA-related conditions. ClinVar contains an entry for this variant (Variation ID: 2568086). Invitae Evidence Modeling of protein sequence and biophysical properties (such as structural, functional, and spatial information, amino acid conservation, physicochemical variation, residue mobility, and thermodynamic stability) indicates that this missense variant is not expected to disrupt PDGFRA protein function with a negative predictive value of 80%. In summary, the available evidence is currently insufficient to determine the role of this variant in disease. Therefore, it has been classified as a Variant of Uncertain Significance.

Ambry Genetics
Classification: Uncertain significance for Hereditary cancer-predisposing syndrome. Last evaluated: 2023-05-04. Review status: criteria provided, single submitter. Criteria: Ambry Variant Classification Scheme 2023. Collection method: clinical testing. Allele origin: germline.
Comment: The p.A326S variant (also known as c.976G>T), located in coding exon 6 of the PDGFRA gene, results from a G to T substitution at nucleotide position 976. The alanine at codon 326 is replaced by serine, an amino acid with similar properties. This amino acid position is conserved. In addition, this alteration is predicted to be tolerated by in silico analysis. Since supporting evidence is limited at this time, the clinical significance of this alteration remains unclear.